The following is an entry in ClinVar:

NM_001376.5(DYNC1H1):c.5264A>G (p.Gln1755Arg)

Gene: DYNC1H1 (dynein cytoplasmic 1 heavy chain 1; plus strand). Cytogenetic location: 14q32.31.
Variant type: single nucleotide variant.
Coding change: c.5264A>G on transcript NM_001376.5 (MANE Select); coding-DNA position 5264, A replaced by G.
Protein change: p.Gln1755Arg; replaces glutamine 1755 with arginine.
Molecular consequence: missense variant.
Genome position (GRCh38, 1-based): chr14:102,005,067, A>G. VCF-style: chr14-102005067-A-G. GRCh37 (hg19) VCF-style: chr14-102471404-A-G.
Other names: short protein forms Q1755R.
Identifiers: ClinVar variation 3372917 (VCV003372917.2).

ClinVar aggregate classification (germline): Uncertain significance (1 of 4 stars; one submission).

Submission:

GeneDx
Classification: Uncertain significance. Last evaluated: 2025-10-24. Review status: criteria provided, single submitter. Criteria: GeneDx Variant Classification Process June 2021. Collection method: clinical testing. Allele origin: germline. Affected: yes.
Comment: Not observed at significant frequency in large population cohorts (gnomAD); In silico analysis supports that this missense variant has a deleterious effect on protein structure/function; Has not been previously published as pathogenic or benign to our knowledge; This variant is associated with the following publications: (PMID: 25512093, 25609763, 26100331)